The following is an entry in ClinVar:

ClinVar aggregate classification (germline): Uncertain significance. Review status: criteria provided, multiple submitters, no conflicts (2 of 4 stars). 2 submissions from 2 submitters: Uncertain significance (2). Last evaluated 2023-09-27.

Conditions:
Inborn genetic diseases. Identifiers: MedGen C0950123, MeSH D030342.

Allele frequency attached by ClinVar (database versions not stated): ExAC 0.00001; gnomAD 0.00001; gnomAD exomes 0.00001; TOPMed 0.00001.
gnomAD v4.1: 14 of 1,609,126 alleles (0.00087%); highest among the groups gnomAD compares: East Asian, 0.0067%; no homozygotes.

Submissions (2):

Labcorp Genetics (formerly Invitae), Labcorp
Classification: Uncertain significance. Last evaluated: 2023-09-27. Review status: criteria provided, single submitter. Criteria: Invitae Variant Classification Sherloc (09022015). Collection method: clinical testing. Allele origin: germline.
Comment: Algorithms developed to predict the effect of missense changes on protein structure and function output the following: SIFT: "Not Available"; PolyPhen-2: "Probably Damaging"; Align-GVGD: "Not Available". The cysteine amino acid residue is found in multiple mammalian species, which suggests that this missense change does not adversely affect protein function. This missense change has been observed in individual(s) with lupus nephritis (PMID: 36261300). The frequency data for this variant in the population databases is considered unreliable, as metrics indicate poor data quality at this position in the gnomAD database. This sequence change replaces arginine, which is basic and polar, with cysteine, which is neutral and slightly polar, at codon 109 of the DDX58 protein (p.Arg109Cys). Experimental studies have shown that this missense change affects DDX58 function (PMID: 36261300). In summary, the available evidence is currently insufficient to determine the role of this variant in disease. Therefore, it has been classified as a Variant of Uncertain Significance.

Ambry Genetics
Classification: Uncertain significance for Inborn genetic diseases. Last evaluated: 2021-06-18. Review status: criteria provided, single submitter. Criteria: Ambry Variant Classification Scheme 2023. Collection method: clinical testing. Allele origin: germline.

Literature cited by the submitters: PubMed 36261300 (cited by Labcorp Genetics (formerly Invitae), Labcorp).

NM_014314.4(RIGI):c.325C>T (p.Arg109Cys)

Gene: RIGI (RNA sensor RIG-I; minus strand). Cytogenetic location: 9p21.1.
Variant type: single nucleotide variant.
Coding change: c.325C>T on transcript NM_014314.4 (MANE Select); coding-DNA position 325, C replaced by T.
Protein change: p.Arg109Cys; replaces arginine 109 with cysteine.
Molecular consequence: missense variant. On other transcripts: 5 prime UTR variant (3).
Genome position (GRCh38, 1-based): chr9:32,493,859, G>A on the plus strand (C>T on the coding strand, the complement: RIGI is on the minus strand). VCF-style: chr9-32493859-G-A. GRCh37 (hg19) VCF-style: chr9-32493857-G-A.
Other names: c.325C>T (NM_014314.3); c.-137C>T (NM_001385912.1); c.325C>T, p.Arg109Cys (NM_001385913.1, NM_001385907.1, NM_001385909.1); c.-130C>T (NM_001385914.1, NM_001385910.1); short protein forms R109C.
Identifiers: ClinVar variation 2782749 (VCV002782749.4), dbSNP rs760734230, ClinGen allele CA5020117.